The following is an entry in ClinVar:

NM_000545.8(HNF1A):c.937_938dup (p.Ser315fs)

Gene: HNF1A (HNF1 homeobox A; plus strand). Cytogenetic location: 12q24.31.
Variant type: Microsatellite.
Coding change: c.937_938dup on transcript NM_000545.8 (MANE Select); coding-DNA positions 937 to 938, 2 bases duplicated (TC; older notation c.937_938dupTC).
Protein change: p.Ser315fs; shifts the reading frame from serine 315.
Molecular consequence: frameshift variant.
Genome position (GRCh38, 1-based): chr12:120,994,387-120,994,388, TC duplicated; duplicating any 2 consecutive bases within chr12:120,994,384-120,994,388 gives the same sequence; the c. name uses the placement nearest the transcript's 3' end. VCF-style (leftmost placement, unchanged base first): chr12-120994383-C-CCT. GRCh37 (hg19) VCF-style: chr12-121432186-C-CCT.
Other names: c.937_938dup, p.Ser315fs (NM_001306179.2, NM_001406915.1); short protein forms S315fs.
Identifiers: ClinVar variation 4728845 (VCV004728845.1).

ClinVar aggregate classification (germline): Pathogenic (1 of 4 stars; one submission).

Submission:

Labcorp Genetics (formerly Invitae), Labcorp
Classification: Pathogenic. Last evaluated: 2025-10-09. Review status: criteria provided, single submitter. Criteria: Invitae Variant Classification Sherloc (09022015). Collection method: clinical testing. Allele origin: germline.
Comment: This sequence change creates a premature translational stop signal (p.Ser315Profs*28) in the HNF1A gene. It is expected to result in an absent or disrupted protein product. Loss-of-function variants in HNF1A are known to be pathogenic (PMID: 15928245, 18003757). This variant is not present in population databases (gnomAD no frequency). This variant has not been reported in the literature in individuals affected with HNF1A-related conditions. For these reasons, this variant has been classified as Pathogenic.

Literature cited by the submitters: PubMed 15928245; PubMed 18003757.